The following is an entry in ClinVar:

NM_014845.6(FIG4):c.1226A>G (p.His409Arg)

Gene: FIG4 (FIG4 phosphoinositide 5-phosphatase; plus strand). Cytogenetic location: 6q21.
Variant type: single nucleotide variant.
Coding change: c.1226A>G on transcript NM_014845.6 (MANE Select); coding-DNA position 1226, A replaced by G.
Protein change: p.His409Arg; replaces histidine 409 with arginine.
Molecular consequence: missense variant.
Genome position (GRCh38, 1-based): chr6:109,760,338, A>G. VCF-style: chr6-109760338-A-G. GRCh37 (hg19) VCF-style: chr6-110081541-A-G.
Other names: short protein forms H409R.
Identifiers: ClinVar variation 4881206 (VCV004881206.2).

ClinVar aggregate classification (germline): Uncertain significance (1 of 4 stars; one submission).

Submission:

Dasa
Classification: Uncertain significance. Last evaluated: 2026-02-19. Review status: criteria provided, single submitter. Criteria: DASA Assertion Criteria. Collection method: clinical testing. Allele origin: germline.
Comment: NM_014845.6(FIG4):c.1226A>G (p.His409Arg) is a missense variant that results in the substitution of histidine with arginine. This variant is absent from population databases. The currently available literature and clinical evidence are not sufficient to establish a definitive association between this variant and the reported condition. Therefore, this variant is classified as a variant of uncertain significance.